The following is an entry in ClinVar:

NM_178012.5(TUBB2B):c.1189T>C (p.Trp397Arg)

Gene: TUBB2B (tubulin beta 2B class IIb; minus strand). Cytogenetic location: 6p25.2.
Variant type: single nucleotide variant.
Coding change: c.1189T>C on transcript NM_178012.5 (MANE Select); coding-DNA position 1189, T replaced by C.
Protein change: p.Trp397Arg; replaces tryptophan 397 with arginine.
Molecular consequence: missense variant.
Genome position (GRCh38, 1-based): chr6:3,224,900, A>G on the plus strand (T>C on the coding strand, the complement: TUBB2B is on the minus strand). VCF-style: chr6-3224900-A-G. GRCh37 (hg19) VCF-style: chr6-3225134-A-G.
Other names: short protein forms W397R.
Identifiers: ClinVar variation 379922 (VCV000379922.3), dbSNP rs1057520787, ClinGen allele CA16605034.

ClinVar aggregate classification (germline): Pathogenic (1 of 4 stars; one submission).

Submission:

GeneDx
Classification: Pathogenic. Last evaluated: 2024-07-02. Review status: criteria provided, single submitter. Criteria: GeneDx Variant Classification Process June 2021. Collection method: clinical testing. Allele origin: germline. Affected: yes.
Comment: Not observed at significant frequency in large population cohorts (gnomAD); Missense variants in this gene are a common cause of disease and they are underrepresented in the general population; In silico analysis supports that this missense variant has a deleterious effect on protein structure/function; Has not been previously published as pathogenic or benign to our knowledge; This variant is associated with the following publications: (PMID: 27010057)